The following is an entry in ClinVar:

ClinVar aggregate classification (germline): Uncertain significance (1 of 4 stars; one submission).

Conditions:
Idiopathic generalized epilepsy. Also called: Generalised epilepsy; EIG. Identifiers: MedGen C0270850, MONDO:0005579, OMIM 600669.
Hyperaldosteronism, familial, type IV (HALD4). Also called: FH IV; ALDOSTERONISM, PRIMARY, AND HYPERTENSION. Identifiers: Orphanet 642671, MedGen C4310756, MONDO:0014875, OMIM 617027.

Allele frequency attached by ClinVar (database versions not stated): gnomAD exomes below 0.00001; TOPMed below 0.00001.
gnomAD v4.1: 1 of 1,560,614 alleles (0.000064%); highest among the groups gnomAD compares: Non-Finnish European, 0.000087%; no homozygotes.

Submission:

Labcorp Genetics (formerly Invitae), Labcorp
Classification: Uncertain significance for Idiopathic generalized epilepsy; Hyperaldosteronism, familial, type IV. Last evaluated: 2021-02-17. Review status: criteria provided, single submitter. Criteria: Invitae Variant Classification Sherloc (09022015). Collection method: clinical testing. Allele origin: germline.
Comment: In summary, the available evidence is currently insufficient to determine the role of this variant in disease. Therefore, it has been classified as a Variant of Uncertain Significance. Advanced modeling of protein sequence and biophysical properties (such as structural, functional, and spatial information, amino acid conservation, physicochemical variation, residue mobility, and thermodynamic stability) performed at Invitae indicates that this missense variant is not expected to disrupt CACNA1H protein function. This variant has not been reported in the literature in individuals with CACNA1H-related conditions. This variant is not present in population databases (ExAC no frequency). This sequence change replaces glutamic acid with valine at codon 1952 of the CACNA1H protein (p.Glu1952Val). The glutamic acid residue is moderately conserved and there is a moderate physicochemical difference between glutamic acid and valine.

NM_021098.3(CACNA1H):c.5855A>T (p.Glu1952Val)

Gene: CACNA1H (calcium voltage-gated channel subunit alpha1 H; plus strand). Cytogenetic location: 16p13.3.
Variant type: single nucleotide variant.
Coding change: c.5855A>T on transcript NM_021098.3 (MANE Select); coding-DNA position 5855, A replaced by T.
Protein change: p.Glu1952Val; replaces glutamic acid 1952 with valine.
Molecular consequence: missense variant.
Genome position (GRCh38, 1-based): chr16:1,218,619, A>T. VCF-style: chr16-1218619-A-T. GRCh37 (hg19) VCF-style: chr16-1268619-A-T.
Other names: c.5837A>T, p.Glu1946Val (NM_001005407.2); short protein forms E1952V, E1946V.
Identifiers: ClinVar variation 1473291 (VCV001473291.8), dbSNP rs1970226967, ClinGen allele CA394148024.
Genomic context (GRCh38, chr16:1,218,619, plus strand): 5'-ACATGTTCAGGCCCGTGGTGCCTGCCTCGGCGCCCCACCCCCGCCCGCTGCAGGAGGTGG[A>T]GATGGAGACCTATGGGGCCGGCACCCCCTTGGGTATGGTAGCCAGCAGGAAGATATGGGC-3'
Protein context (NP_066921.2, residues 1942-1962): APHPRPLQEV[Glu1952Val]METYGAGTPL